The following is an entry in ClinVar:

ClinVar aggregate classification (germline): Uncertain significance (1 of 4 stars; one submission).

Conditions:
Autosomal dominant limb-girdle muscular dystrophy type 1D (DNAJB6) (LGMDD1). Also called: MUSCULAR DYSTROPHY, LIMB-GIRDLE, TYPE 1D; MUSCULAR DYSTROPHY, AUTOSOMAL DOMINANT, WITH RIMMED VACUOLES; Autosomal dominant limb-girdle muscular dystrophy type 1D; Muscular dystrophy, limb-girdle, autosomal dominant 1. Identifiers: Orphanet 34516, MedGen C4721885, MONDO:0021018, OMIM 603511.

Allele frequency attached by ClinVar (database versions not stated): gnomAD 0.00001.

Submission:

Labcorp Genetics (formerly Invitae), Labcorp
Classification: Uncertain significance for Autosomal dominant limb-girdle muscular dystrophy type 1D (DNAJB6). Last evaluated: 2023-12-27. Review status: criteria provided, single submitter. Criteria: Invitae Variant Classification Sherloc (09022015). Collection method: clinical testing. Allele origin: germline.
Comment: This sequence change replaces methionine, which is neutral and non-polar, with lysine, which is basic and polar, at codon 197 of the DNAJB6 protein (p.Met197Lys). This variant is not present in population databases (gnomAD no frequency). This variant has not been reported in the literature in individuals affected with DNAJB6-related conditions. Advanced modeling of protein sequence and biophysical properties (such as structural, functional, and spatial information, amino acid conservation, physicochemical variation, residue mobility, and thermodynamic stability) performed at Invitae indicates that this missense variant is not expected to disrupt DNAJB6 protein function with a negative predictive value of 80%. In summary, the available evidence is currently insufficient to determine the role of this variant in disease. Therefore, it has been classified as a Variant of Uncertain Significance.

NM_058246.4(DNAJB6):c.590T>A (p.Met197Lys)

Gene: DNAJB6 (DnaJ heat shock protein family (Hsp40) member B6; plus strand). Cytogenetic location: 7q36.3.
Variant type: single nucleotide variant.
Coding change: c.590T>A on transcript NM_058246.4 (MANE Select); coding-DNA position 590, T replaced by A.
Protein change: p.Met197Lys; replaces methionine 197 with lysine.
Molecular consequence: missense variant. On other transcripts: intron variant (1).
Genome position (GRCh38, 1-based): chr7:157,384,978, T>A. VCF-style: chr7-157384978-T-A. GRCh37 (hg19) VCF-style: chr7-157177672-T-A.
Other names: c.590T>A, p.Met197Lys (NM_005494.3); c.346+17495T>A (NM_001363676.1); short protein forms M197K.
Identifiers: ClinVar variation 2705769 (VCV002705769.3), dbSNP rs1173635396, ClinGen allele CA370166813.